The following is an entry in ClinVar:

ClinVar aggregate classification (germline): Uncertain significance (1 of 4 stars; one submission).

Conditions:
Primary dilated cardiomyopathy (DCM). Also called: Dilated Cardiomyopathy. Identifiers: Orphanet 217604, MedGen C0007193, MeSH D002311, MONDO:0005021, HP:0001644. Inheritance: Various modes of inheritance.

Allele frequency attached by ClinVar (database versions not stated): ExAC 0.00003; gnomAD 0.00005; TOPMed 0.00007; 1000 Genomes Project 30x 0.00016; 1000 Genomes Project 0.00020; gnomAD exomes 0.00001 and 0.00002.
gnomAD v4.1: 17 of 1,613,946 alleles (0.0011%); highest among the groups gnomAD compares: African/African-American, 0.017%; no homozygotes.

Submission:

Labcorp Genetics (formerly Invitae), Labcorp
Classification: Uncertain significance for Primary dilated cardiomyopathy. Last evaluated: 2025-07-05. Review status: criteria provided, single submitter. Criteria: Invitae Variant Classification Sherloc (09022015). Collection method: clinical testing. Allele origin: germline.
Comment: This sequence change replaces isoleucine, which is neutral and non-polar, with valine, which is neutral and non-polar, at codon 698 of the NEBL protein (p.Ile698Val). This variant is present in population databases (rs565742208, gnomAD 0.02%). This variant has not been reported in the literature in individuals affected with NEBL-related conditions. ClinVar contains an entry for this variant (Variation ID: 1519384). An algorithm developed to predict the effect of missense changes on protein structure and function outputs the following: PolyPhen-2: "Benign". The valine amino acid residue is found in multiple mammalian species, which suggests that this missense change does not adversely affect protein function. In summary, the available evidence is currently insufficient to determine the role of this variant in disease. Therefore, it has been classified as a Variant of Uncertain Significance.

NM_006393.3(NEBL):c.2092A>G (p.Ile698Val)

Genes: NEBL (nebulette; minus strand), LOC126860875 (MED14-independent group 3 enhancer GRCh37_chr10:21105746-21106945; plus strand). Cytogenetic location: 10p12.31.
Variant type: single nucleotide variant.
Coding change: c.2092A>G on transcript NM_006393.3 (MANE Select); coding-DNA position 2092, A replaced by G.
Protein change: p.Ile698Val; replaces isoleucine 698 with valine.
Molecular consequence: missense variant. On other transcripts: intron variant (9).
Genome position (GRCh38, 1-based): chr10:20,817,656, T>C on the plus strand (A>G on the coding strand, the complement: NEBL is on the minus strand). VCF-style: chr10-20817656-T-C. GRCh37 (hg19) VCF-style: chr10-21106585-T-C.
Other names: c.250-4716A>G (NM_001377326.1, NM_001377327.1, NM_001377328.1); c.358-4716A>G (NM_213569.2, NM_001173484.2, NM_001377322.1); c.301-4716A>G (NM_001377324.1); c.292-4716A>G (NM_001377325.1); c.310-4716A>G (NM_001377323.1); short protein forms I698V.
Identifiers: ClinVar variation 1519384 (VCV001519384.6), dbSNP rs565742208, ClinGen allele CA5432610.